The following is an entry in ClinVar:

NM_025137.4(SPG11):c.941A>T (p.Asp314Val)

Gene: SPG11 (SPG11 vesicle trafficking associated, spatacsin; minus strand). Cytogenetic location: 15q21.1.
Variant type: single nucleotide variant.
Coding change: c.941A>T on transcript NM_025137.4 (MANE Select); coding-DNA position 941, A replaced by T.
Protein change: p.Asp314Val; replaces aspartic acid 314 with valine.
Molecular consequence: missense variant.
Genome position (GRCh38, 1-based): chr15:44,652,195, T>A on the plus strand (A>T on the coding strand, the complement: SPG11 is on the minus strand). VCF-style: chr15-44652195-T-A. GRCh37 (hg19) VCF-style: chr15-44944393-T-A.
Other names: c.941A>T, p.Asp314Val (NM_001160227.2, NM_001411132.1); short protein forms D314V.
Identifiers: ClinVar variation 1766894 (VCV001766894.2), dbSNP rs1370168650, ClinGen allele CA392236954.

ClinVar aggregate classification (germline): Uncertain significance (1 of 4 stars; one submission).

Conditions:
Inborn genetic diseases. Identifiers: MedGen C0950123, MeSH D030342.

Submission:

Ambry Genetics
Classification: Uncertain significance for Inborn genetic diseases. Last evaluated: 2019-11-21. Review status: criteria provided, single submitter. Criteria: Ambry Variant Classification Scheme 2023. Collection method: clinical testing. Allele origin: germline.
Comment: The p.D314V variant (also known as c.941A>T), located in coding exon 5 of the SPG11 gene, results from an A to T substitution at nucleotide position 941. The aspartic acid at codon 314 is replaced by valine, an amino acid with highly dissimilar properties. This amino acid position is highly conserved in available vertebrate species. In addition, this alteration is predicted to be deleterious by in silico analysis. Since supporting evidence is limited at this time, the clinical significance of this alteration remains unclear.